The following is an entry in ClinVar:

NM_006225.4(PLCD1):c.1629C>T (p.Asn543=)

Gene: PLCD1 (phospholipase C delta 1; minus strand). Cytogenetic location: 3p22.2.
Variant type: single nucleotide variant.
Coding change: c.1629C>T on transcript NM_006225.4 (MANE Select); coding-DNA position 1629, C replaced by T.
Protein change: p.Asn543=; no amino-acid change (asparagine 543 retained).
Molecular consequence: synonymous variant. On other transcripts: non-coding transcript variant (1).
Genome position (GRCh38, 1-based): chr3:38,009,136, G>A on the plus strand (C>T on the coding strand, the complement: PLCD1 is on the minus strand). VCF-style: chr3-38009136-G-A. GRCh37 (hg19) VCF-style: chr3-38050627-G-A.
Other names: c.1692C>T, p.Asn564= (NM_001130964.2).
Identifiers: ClinVar variation 708751 (VCV000708751.28), dbSNP rs146435554, ClinGen allele CA2312969.

ClinVar aggregate classification (germline): Likely benign. Review status: criteria provided, multiple submitters, no conflicts (2 of 4 stars). 2 submissions from 2 submitters: Likely benign (2). Last evaluated 2022-04-01.

Allele frequency attached by ClinVar (database versions not stated): TOPMed 0.00121; ESP Exome Variant Server 0.00131; gnomAD 0.00135 and 0.00146; 1000 Genomes Project 30x 0.00031; 1000 Genomes Project 0.00040.
gnomAD v4.1: 3,278 of 1,614,140 alleles (0.2%); highest among the groups gnomAD compares: Non-Finnish European, 0.26%; 1 homozygote.

Submissions (2):

CeGaT Center for Human Genetics Tuebingen
Classification: Likely benign. Last evaluated: 2022-04-01. Review status: criteria provided, single submitter. Criteria: CeGaT Center For Human Genetics Tuebingen Variant Classification Criteria Version 2. Collection method: clinical testing. Allele origin: germline. Affected: yes. Observed: 1 variant allele.
Comment: PLCD1: BP4, BP7

Labcorp Genetics (formerly Invitae), Labcorp
Classification: Likely benign. Last evaluated: 2019-12-31. Review status: criteria provided, single submitter. Criteria: Invitae Variant Classification Sherloc (09022015). Collection method: clinical testing. Allele origin: germline.